The following is an entry in ClinVar:

ClinVar aggregate classification (germline): Uncertain significance (1 of 4 stars; one submission).

gnomAD v4.1: 2 of 1,613,876 alleles (0.00012%); no homozygotes.

Submission:

Labcorp Genetics (formerly Invitae), Labcorp
Classification: Uncertain significance. Last evaluated: 2022-07-20. Review status: criteria provided, single submitter. Criteria: Invitae Variant Classification Sherloc (09022015). Collection method: clinical testing. Allele origin: germline.
Comment: In summary, the available evidence is currently insufficient to determine the role of this variant in disease. Therefore, it has been classified as a Variant of Uncertain Significance. Algorithms developed to predict the effect of missense changes on protein structure and function are either unavailable or do not agree on the potential impact of this missense change (SIFT: "Deleterious"; PolyPhen-2: "Benign"; Align-GVGD: "Class C0"). This variant has not been reported in the literature in individuals affected with KIAA1549-related conditions. This variant is present in population databases (rs769867741, gnomAD 0.004%). This sequence change replaces serine, which is neutral and polar, with phenylalanine, which is neutral and non-polar, at codon 285 of the KIAA1549 protein (p.Ser285Phe).

NM_001164665.2(KIAA1549):c.854C>T (p.Ser285Phe)

Gene: KIAA1549 (KIAA1549; minus strand). Cytogenetic location: 7q34.
Variant type: single nucleotide variant.
Coding change: c.854C>T on transcript NM_001164665.2 (MANE Select); coding-DNA position 854, C replaced by T.
Protein change: p.Ser285Phe; replaces serine 285 with phenylalanine.
Molecular consequence: missense variant.
Genome position (GRCh38, 1-based): chr7:138,918,772, G>A on the plus strand (C>T on the coding strand, the complement: KIAA1549 is on the minus strand). VCF-style: chr7-138918772-G-A. GRCh37 (hg19) VCF-style: chr7-138603518-G-A.
Other names: c.854C>T, p.Ser285Phe (NM_020910.3); short protein forms S285F.
Identifiers: ClinVar variation 1720469 (VCV001720469.5), dbSNP rs769867741, ClinGen allele CA4506852.